The following is an entry in ClinVar:

NM_000288.4(PEX7):c.195C>G (p.Asp65Glu)

Gene: PEX7 (peroxisomal biogenesis factor 7; plus strand). Cytogenetic location: 6q23.3.
Variant type: single nucleotide variant.
Coding change: c.195C>G on transcript NM_000288.4 (MANE Select); coding-DNA position 195, C replaced by G.
Protein change: p.Asp65Glu; replaces aspartic acid 65 with glutamic acid.
Molecular consequence: missense variant.
Genome position (GRCh38, 1-based): chr6:136,826,325, C>G. VCF-style: chr6-136826325-C-G. GRCh37 (hg19) VCF-style: chr6-137147463-C-G.
Other names: c.195C>G (NM_000288.3); short protein forms D65E.
Identifiers: ClinVar variation 1487526 (VCV001487526.6), dbSNP rs2115131716, ClinGen allele CA365855725.
Genomic context (GRCh38, chr6:136,826,325, plus strand): 5'-TAGCTGCCTATGTAAGTGTTGTATTTTTTTGTTGTTTGTTTTTTCCTAGTGTAGCTTTGA[C>G]TGGAATGATGGTTTGTTTGATGTGACTTGGAGTGAGAACAACGAACATGTCCTCATCACC-3'
Protein context (NP_000279.1, residues 55-75): EAGLRLFRSF[Asp65Glu]WNDGLFDVTW

ClinVar aggregate classification (germline): Uncertain significance. Review status: criteria provided, multiple submitters, no conflicts (2 of 4 stars). 2 submissions from 2 submitters: Uncertain significance (2). Last evaluated 2022-07-24.

Conditions:
Inborn genetic diseases. Identifiers: MedGen C0950123, MeSH D030342.
Peroxisome biogenesis disorder 9B. Also called: PEX7-Related Refsum Disease; PEROXISOME BIOGENESIS DISORDER, PEX7-RELATED, ATYPICAL; Refsum disease, adult, 2. Identifiers: Orphanet 773, MedGen C2749346, MONDO:0013945, OMIM 614879.

Allele frequency attached by ClinVar (database versions not stated): gnomAD exomes 0.00001.
gnomAD v4.1: 10 of 1,613,740 alleles (0.00062%); highest among the groups gnomAD compares: Admixed American, 0.0017%; no homozygotes.

Submissions (2):

Labcorp Genetics (formerly Invitae), Labcorp
Classification: Uncertain significance for Peroxisome biogenesis disorder 9B. Last evaluated: 2022-07-24. Review status: criteria provided, single submitter. Criteria: Invitae Variant Classification Sherloc (09022015). Collection method: clinical testing. Allele origin: germline.
Comment: This sequence change replaces aspartic acid, which is acidic and polar, with glutamic acid, which is acidic and polar, at codon 65 of the PEX7 protein (p.Asp65Glu). This variant is not present in population databases (gnomAD no frequency). This variant has not been reported in the literature in individuals affected with PEX7-related conditions. ClinVar contains an entry for this variant (Variation ID: 1487526). Algorithms developed to predict the effect of missense changes on protein structure and function output the following: SIFT: "Tolerated"; PolyPhen-2: "Benign"; Align-GVGD: "Class C0". The glutamic acid amino acid residue is found in multiple mammalian species, which suggests that this missense change does not adversely affect protein function. In summary, the available evidence is currently insufficient to determine the role of this variant in disease. Therefore, it has been classified as a Variant of Uncertain Significance.

Ambry Genetics
Classification: Uncertain significance for Inborn genetic diseases. Last evaluated: 2022-07-14. Review status: criteria provided, single submitter. Criteria: Ambry Variant Classification Scheme 2023. Collection method: clinical testing. Allele origin: germline.